The following is an entry in ClinVar:

NM_000038.6(APC):c.2840G>C (p.Cys947Ser)

Gene: APC (APC regulator of Wnt signaling pathway; plus strand). Cytogenetic location: 5q22.2.
Variant type: single nucleotide variant.
Coding change: c.2840G>C on transcript NM_000038.6 (MANE Select); coding-DNA position 2840, G replaced by C.
Protein change: p.Cys947Ser; replaces cysteine 947 with serine.
Molecular consequence: missense variant. On other transcripts: non-coding transcript variant (2).
Genome position (GRCh38, 1-based): chr5:112,838,434, G>C. VCF-style: chr5-112838434-G-C. GRCh37 (hg19) VCF-style: chr5-112174131-G-C.
Other names: c.2840G>C, p.Cys947Ser (NM_001127510.3, NM_001354895.2, NM_001407450.1); c.2786G>C, p.Cys929Ser (NM_001127511.3); c.2894G>C, p.Cys965Ser (NM_001354896.2, NM_001407447.1, NM_001407448.1 and 1 more transcripts); c.2870G>C, p.Cys957Ser (NM_001354897.2); c.2765G>C, p.Cys922Ser (NM_001354898.2); c.2756G>C, p.Cys919Ser (NM_001354899.2); c.2717G>C, p.Cys906Ser (NM_001354900.2); c.2663G>C, p.Cys888Ser (NM_001354901.2, NM_001407453.1); and 11 more; short protein forms C664S, C846S, C864S, C888S, C929S, C937S, C947S, C975S.
Identifiers: ClinVar variation 3926374 (VCV003926374.2).
Genomic context (GRCh38, chr5:112,838,434, plus strand): 5'-CTGCCCATACACATTCAAACACTTACAATTTCACTAAGTCGGAAAATTCAAATAGGACAT[G>C]TTCTATGCCTTATGCCAAATTAGAATACAAGAGATCTTCAAATGATAGTTTAAATAGTGT-3'
Protein context (NP_000029.2, residues 937-957): FTKSENSNRT[Cys947Ser]SMPYAKLEYK

ClinVar aggregate classification (germline): Uncertain significance. Review status: criteria provided, multiple submitters, no conflicts (2 of 4 stars). 2 submissions from 2 submitters: Uncertain significance (2). Last evaluated 2025-08-24.

Conditions:
Hereditary cancer-predisposing syndrome. Also called: Hereditary Cancer Syndrome; Hereditary neoplastic syndrome; Neoplastic Syndromes, Hereditary; Tumor predisposition. Identifiers: Orphanet 140162, MedGen C0027672, MeSH D009386, MONDO:0015356.
Familial adenomatous polyposis 1 (FAP1). Also called: FAMILIAL ADENOMATOUS POLYPOSIS 1, ATTENUATED; POLYPOSIS, ADENOMATOUS INTESTINAL. Identifiers: MedGen C2713442, MONDO:0021056, OMIM 175100. Disease mechanism: loss of function.

Submissions (2):

Labcorp Genetics (formerly Invitae), Labcorp
Classification: Uncertain significance for Familial adenomatous polyposis 1. Last evaluated: 2025-08-24. Review status: criteria provided, single submitter. Criteria: Invitae Variant Classification Sherloc (09022015). Collection method: clinical testing. Allele origin: germline.
Comment: This sequence change replaces cysteine, which is neutral and slightly polar, with serine, which is neutral and polar, at codon 947 of the APC protein (p.Cys947Ser). This variant is not present in population databases (gnomAD no frequency). This missense change has been observed in individual(s) with colorectal adenomas (PMID: 18199528). ClinVar contains an entry for this variant (Variation ID: 3926374). Invitae Evidence Modeling of protein sequence and biophysical properties (such as structural, functional, and spatial information, amino acid conservation, physicochemical variation, residue mobility, and thermodynamic stability) indicates that this missense variant is not expected to disrupt APC protein function with a negative predictive value of 95%. In summary, the available evidence is currently insufficient to determine the role of this variant in disease. Therefore, it has been classified as a Variant of Uncertain Significance.

Ambry Genetics
Classification: Uncertain significance for Hereditary cancer-predisposing syndrome. Last evaluated: 2025-05-09. Review status: criteria provided, single submitter. Criteria: Ambry Variant Classification Scheme 2023. Collection method: clinical testing. Allele origin: germline.
Comment: The p.C947S variant (also known as c.2840G>C), located in coding exon 15 of the APC gene, results from a G to C substitution at nucleotide position 2840. The cysteine at codon 947 is replaced by serine, an amino acid with dissimilar properties. In a study aimed at identifying APC variants associated with increased risk of developing colorectal adenomas, the p.C947S variant was detected in 1/691 affected individuals and was not observed in 969 healthy controls (Azzopardi D et al. Cancer Res. 2008 Jan;68:358-63). This amino acid position is well conserved in available vertebrate species. In addition, in silico predictors for this gene do not accurately predict pathogenicity. Based on the available evidence, the clinical significance of this variant remains unclear.

Literature cited by the submitters: PubMed 18199528 (cited by Labcorp Genetics (formerly Invitae), Labcorp and Ambry Genetics).